The following is an entry in ClinVar:

ClinVar aggregate classification (germline): Uncertain significance. Review status: criteria provided, multiple submitters, no conflicts (2 of 4 stars). 2 submissions from 2 submitters: Uncertain significance (2). Last evaluated 2025-06-11.

Conditions:
Malignant hyperthermia, susceptibility to, 5 (MHS5). Also called: CACNA1S-Related Malignant Hyperthermia Susceptibility. Identifiers: Orphanet 423, MedGen C1866077, MONDO:0011163, OMIM 601887.
Hypokalemic periodic paralysis, type 1. Also called: HypoPP; Hypokalemic Periodic Paralysis Type 1 (AD). Identifiers: Orphanet 681, MedGen C3714580, MONDO:0042979, OMIM 170400.

Allele frequency attached by ClinVar (database versions not stated): gnomAD exomes below 0.00001; TOPMed 0.00001.
gnomAD v4.1: 1 of 1,614,174 alleles (0.000062%); highest among the groups gnomAD compares: Non-Finnish European, 0.000085%; no homozygotes.

Submissions (2):

GeneDx
Classification: Uncertain significance. Last evaluated: 2025-06-11. Review status: criteria provided, single submitter. Criteria: GeneDx Variant Classification Process June 2021. Collection method: clinical testing. Allele origin: germline. Affected: yes.
Comment: Not observed at significant frequency in large population cohorts (gnomAD); In silico analysis supports that this missense variant has a deleterious effect on protein structure/function; Has not been previously published as pathogenic or benign to our knowledge

Labcorp Genetics (formerly Invitae), Labcorp
Classification: Uncertain significance for Hypokalemic periodic paralysis, type 1; Malignant hyperthermia, susceptibility to, 5. Last evaluated: 2023-09-08. Review status: criteria provided, single submitter. Criteria: Invitae Variant Classification Sherloc (09022015). Collection method: clinical testing. Allele origin: germline.
Comment: This sequence change replaces tryptophan, which is neutral and slightly polar, with arginine, which is basic and polar, at codon 616 of the CACNA1S protein (p.Trp616Arg). This variant is not present in population databases (gnomAD no frequency). This variant has not been reported in the literature in individuals affected with CACNA1S-related conditions. Advanced modeling of protein sequence and biophysical properties (such as structural, functional, and spatial information, amino acid conservation, physicochemical variation, residue mobility, and thermodynamic stability) performed at Invitae indicates that this missense variant is expected to disrupt CACNA1S protein function. In summary, the available evidence is currently insufficient to determine the role of this variant in disease. Therefore, it has been classified as a Variant of Uncertain Significance.

NM_000069.3(CACNA1S):c.1846T>C (p.Trp616Arg)

Gene: CACNA1S (calcium voltage-gated channel subunit alpha1 S; minus strand). Cytogenetic location: 1q32.1.
Variant type: single nucleotide variant.
Coding change: c.1846T>C on transcript NM_000069.3 (MANE Select); coding-DNA position 1846, T replaced by C.
Protein change: p.Trp616Arg; replaces tryptophan 616 with arginine.
Molecular consequence: missense variant.
Genome position (GRCh38, 1-based): chr1:201,075,597, A>G on the plus strand (T>C on the coding strand, the complement: CACNA1S is on the minus strand). VCF-style: chr1-201075597-A-G. GRCh37 (hg19) VCF-style: chr1-201044725-A-G.
Other names: c.1846T>C (NM_000069.2); short protein forms W616R.
Identifiers: ClinVar variation 2936973 (VCV002936973.4), dbSNP rs1392743415, ClinGen allele CA344117391.